The following is an entry in ClinVar:

NM_201384.3(PLEC):c.6008A>G (p.Gln2003Arg)

Gene: PLEC (plectin; minus strand). Cytogenetic location: 8q24.3.
Variant type: single nucleotide variant.
Coding change: c.6008A>G on transcript NM_201384.3 (MANE Select); coding-DNA position 6008, A replaced by G.
Protein change: p.Gln2003Arg; replaces glutamine 2003 with arginine.
Molecular consequence: missense variant.
Genome position (GRCh38, 1-based): chr8:143,923,921, T>C on the plus strand (A>G on the coding strand, the complement: PLEC is on the minus strand). VCF-style: chr8-143923921-T-C. GRCh37 (hg19) VCF-style: chr8-144998089-T-C.
Other names: c.6089A>G, p.Gln2030Arg (NM_000445.5); c.5966A>G, p.Gln1989Arg (NM_201378.4); c.5942A>G, p.Gln1981Arg (NM_201379.3); c.6419A>G, p.Gln2140Arg (NM_201380.4); c.5912A>G, p.Gln1971Arg (NM_201381.3); c.6008A>G, p.Gln2003Arg (NM_201382.4); c.6020A>G, p.Gln2007Arg (NM_201383.3); short protein forms Q1981R, Q2003R, Q2007R, Q2030R, Q2140R, Q1971R, Q1989R.
Identifiers: ClinVar variation 2096247 (VCV002096247.4), dbSNP rs1554694766, ClinGen allele CA372540017.

ClinVar aggregate classification (germline): Uncertain significance (1 of 4 stars; one submission).

Conditions:
Epidermolysis bullosa simplex 5C, with pyloric atresia (EBS5C). Also called: PLEC-Related Epidermolysis Bullosa with Pyloric Atresia; Epidermolysis bullosa simplex with pyloric atresia; PLEC1-Related Epidermolysis Bullosa with Pyloric Atresia. Identifiers: Orphanet 158684, MedGen C2677349, MONDO:0012807, OMIM 612138.
Epidermolysis bullosa simplex 5B, with muscular dystrophy (EBS5B). Also called: Epidermolysis bullosa simplex with muscular dystrophy; EPIDERMOLYSIS BULLOSA SIMPLEX AND LIMB-GIRDLE MUSCULAR DYSTROPHY. Identifiers: Orphanet 257, MedGen C2931072, MONDO:0009181, OMIM 226670.
Epidermolysis bullosa simplex, Ogna type (EBS5A). Also called: Pidermolysis bullosa simplex 5A, Ogna type; EPIDERMOLYSIS BULLOSA SIMPLEX 5A, OGNA TYPE. Identifiers: Orphanet 79401, MedGen C0432317, MONDO:0007555, OMIM 131950.
Autosomal recessive limb-girdle muscular dystrophy type 2Q (LGMDR17). Also called: MUSCULAR DYSTROPHY, LIMB-GIRDLE, AUTOSOMAL RECESSIVE 17. Identifiers: Orphanet 254361, MedGen C3150989, MONDO:0013390, OMIM 613723.
Epidermolysis bullosa simplex with nail dystrophy (EBS5D). Identifiers: MedGen C4225309, MONDO:0014661, OMIM 616487.

Allele frequency attached by ClinVar (database versions not stated): gnomAD exomes below 0.00001; TOPMed 0.00001; 1000 Genomes Project 30x 0.00031.

Submission:

Labcorp Genetics (formerly Invitae), Labcorp
Classification: Uncertain significance for Autosomal recessive limb-girdle muscular dystrophy type 2Q; Epidermolysis bullosa simplex, Ogna type; Epidermolysis bullosa simplex with nail dystrophy; Epidermolysis bullosa simplex 5C, with pyloric atresia; Epidermolysis bullosa simplex 5B, with muscular dystrophy. Last evaluated: 2024-01-19. Review status: criteria provided, single submitter. Criteria: Invitae Variant Classification Sherloc (09022015). Collection method: clinical testing. Allele origin: germline.
Comment: This sequence change replaces glutamine, which is neutral and polar, with arginine, which is basic and polar, at codon 2030 of the PLEC protein (p.Gln2030Arg). This variant is not present in population databases (gnomAD no frequency). This variant has not been reported in the literature in individuals affected with PLEC-related conditions. ClinVar contains an entry for this variant (Variation ID: 2096247). Experimental studies and prediction algorithms are not available or were not evaluated, and the functional significance of this variant is currently unknown. In summary, the available evidence is currently insufficient to determine the role of this variant in disease. Therefore, it has been classified as a Variant of Uncertain Significance.